The following is an entry in ClinVar:

NM_003922.4(HERC1):c.9697G>T (p.Ala3233Ser)

Gene: HERC1 (HECT and RLD domain containing E3 ubiquitin protein ligase family member 1; minus strand). Cytogenetic location: 15q22.31.
Variant type: single nucleotide variant.
Coding change: c.9697G>T on transcript NM_003922.4 (MANE Select); coding-DNA position 9697, G replaced by T.
Protein change: p.Ala3233Ser; replaces alanine 3233 with serine.
Molecular consequence: missense variant.
Genome position (GRCh38, 1-based): chr15:63,656,261, C>A on the plus strand (G>T on the coding strand, the complement: HERC1 is on the minus strand). VCF-style: chr15-63656261-C-A. GRCh37 (hg19) VCF-style: chr15-63948460-C-A.
Other names: short protein forms A3233S.
Identifiers: ClinVar variation 392059 (VCV000392059.2), dbSNP rs960047252, ClinGen allele CA16607120.
Genomic context (GRCh38, chr15:63,656,261, plus strand): 5'-GCCCACCTCGTGATCGTTCTGAGGTGCTAGCCATGGCAGAAGGGCTGGTGGAGAGGCCAG[C>A]TCTCCCTGCTGCTGCCAAGCACATTAATCGAACTAGCGTTCGGATATCTGTTAGCCCCAG-3'
Protein context (NP_003913.3, residues 3223-3243): RLMCLAAAGR[Ala3233Ser]GLSTSPSAMA

ClinVar aggregate classification (germline): Uncertain significance (1 of 4 stars; one submission).

Allele frequency attached by ClinVar (database versions not stated): TOPMed 0.00001.
gnomAD v4.1: 2 of 1,613,794 alleles (0.00012%); highest among the groups gnomAD compares: Non-Finnish European, 0.00017%; no homozygotes.

Submission:

GeneDx
Classification: Uncertain significance. Last evaluated: 2017-01-09. Review status: criteria provided, single submitter. Criteria: GeneDx Variant Classification (06012015). Collection method: clinical testing. Allele origin: germline. Affected: yes.
Comment: The A3233S variant in the HERC1 gene gene has not been reported previously as a pathogenic variant, nor as a benign variant, to our knowledge. The A3233S variant was not observed in approximately 6200 individuals of European and African American ancestry in the NHLBI Exome Sequencing Project, indicating it is not a common benign variant in these populations. The A3233S variant is a non-conservative amino acid substitution, which is likely to impact secondary protein structure as these residues differ in polarity, charge, size and/or other properties. This substitution occurs at a position that is conserved across species. In silico analysis is inconsistent in its predictions as to whether or not the variant is damaging to the protein structure/function. We interpret A3233S as a variant of uncertain significance.